The following is an entry in ClinVar:

NM_001278431.2(C1QTNF5):c.495G>C (p.Gln165His)

Genes: C1QTNF5 (C1q and TNF related 5; minus strand), MFRP (membrane frizzled-related protein; minus strand). Cytogenetic location: 11q23.3.
Variant type: single nucleotide variant.
Coding change: c.495G>C on transcript NM_001278431.2 (MANE Select); coding-DNA position 495, G replaced by C.
Protein change: p.Gln165His; replaces glutamine 165 with histidine.
Molecular consequence: missense variant. On other transcripts: 3 prime UTR variant (1).
Genome position (GRCh38, 1-based): chr11:119,339,568, C>G on the plus strand (G>C on the coding strand, the complement: C1QTNF5 is on the minus strand). VCF-style: chr11-119339568-C-G. GRCh37 (hg19) VCF-style: chr11-119210278-C-G.
Other names: c.495G>C, p.Gln165His (NM_015645.5); c.*1391G>C (NM_031433.4); short protein forms Q165H.
Identifiers: ClinVar variation 386813 (VCV000386813.2), dbSNP rs749820882, ClinGen allele CA6319935.
Genomic context (GRCh38, chr11:119,339,568, plus strand): 5'-CCACCCCCCGAAAAACTGGAAGAAAGAGGCAATGGATTCGCCATTCTTCACCAGATCAAA[C>G]TGCAGGCTGGCCCGGTAGACGGTGGCATGGACGGCGAAGTAGTAGACCCCAGGCACCTGG-3'
Protein context (NP_001265360.1, residues 155-175): VHATVYRASL[Gln165His]FDLVKNGESI

ClinVar aggregate classification (germline): Uncertain significance (1 of 4 stars; one submission).

Allele frequency attached by ClinVar (database versions not stated): gnomAD 0.00001; gnomAD exomes 0.00001 and 0.00002; ExAC 0.00004; TOPMed 0.00004.
gnomAD v4.1: 18 of 1,613,456 alleles (0.0011%); highest among the groups gnomAD compares: Non-Finnish European, 0.0014%; no homozygotes.

Submission:

GeneDx
Classification: Uncertain significance. Last evaluated: 2016-06-03. Review status: criteria provided, single submitter. Criteria: GeneDx Variant Classification (06012015). Collection method: clinical testing. Allele origin: germline. Affected: yes.
Comment: The Q165H variant in the C1QTNF5 gene has not been reported previously as a pathogenic variant, nor as a benign variant, to our knowledge. The Q165H variant was not observed in approximately 6500 individuals of European and African American ancestry in the NHLBI Exome Sequencing Project, indicating it is not a common benign variant in these populations. The Q165H variant is a semi-conservative amino acid substitution, which may impact secondary protein structure as these residues differ in some properties. This substitution occurs at a position where amino acids with similar properties to Glutamine are tolerated across species. In silico analysis is inconsistent in its predictions as to whether or not the variant is damaging to the protein structure/function. We interpret Q165H as a variant of uncertain significance.